The following is an entry in ClinVar:

ClinVar aggregate classification (germline): Uncertain significance (1 of 4 stars; one submission).

Conditions:
Muscular dystrophy-dystroglycanopathy type B6 (MDDGB6). Also called: MUSCULAR DYSTROPHY-DYSTROGLYCANOPATHY (CONGENITAL WITH IMPAIRED INTELLECTUAL DEVELOPMENT), TYPE B, 6; MUSCULAR DYSTROPHY, CONGENITAL, LARGE-RELATED; MUSCULAR DYSTROPHY, CONGENITAL, TYPE 1D. Identifiers: MedGen C1837229, MONDO:0012138, OMIM 608840.

Allele frequency attached by ClinVar (database versions not stated): TOPMed below 0.00001; ExAC 0.00001; gnomAD exomes 0.00002.
gnomAD v4.1: 6 of 1,614,044 alleles (0.00037%); highest among the groups gnomAD compares: Admixed American, 0.01%; no homozygotes.

Submission:

Labcorp Genetics (formerly Invitae), Labcorp
Classification: Uncertain significance for Muscular dystrophy-dystroglycanopathy type B6. Last evaluated: 2022-02-19. Review status: criteria provided, single submitter. Criteria: Invitae Variant Classification Sherloc (09022015). Collection method: clinical testing. Allele origin: germline.
Comment: This sequence change replaces aspartic acid, which is acidic and polar, with alanine, which is neutral and non-polar, at codon 197 of the LARGE1 protein (p.Asp197Ala). This variant is present in population databases (rs765069383, gnomAD 0.01%). This variant has not been reported in the literature in individuals affected with LARGE1-related conditions. Algorithms developed to predict the effect of missense changes on protein structure and function (SIFT, PolyPhen-2, Align-GVGD) all suggest that this variant is likely to be tolerated. In summary, the available evidence is currently insufficient to determine the role of this variant in disease. Therefore, it has been classified as a Variant of Uncertain Significance.

NM_133642.5(LARGE1):c.590A>C (p.Asp197Ala)

Gene: LARGE1 (LARGE xylosyl- and glucuronyltransferase 1; minus strand). Cytogenetic location: 22q12.3.
Variant type: single nucleotide variant.
Coding change: c.590A>C on transcript NM_133642.5 (MANE Select); coding-DNA position 590, A replaced by C.
Protein change: p.Asp197Ala; replaces aspartic acid 197 with alanine.
Molecular consequence: missense variant.
Genome position (GRCh38, 1-based): chr22:33,604,460, T>G on the plus strand (A>C on the coding strand, the complement: LARGE1 is on the minus strand). VCF-style: chr22-33604460-T-G. GRCh37 (hg19) VCF-style: chr22-34000446-T-G.
Other names: c.590A>C, p.Asp197Ala (NM_001362949.2, NM_001362951.2, NM_001362953.2 and 7 more transcripts); short protein forms D197A.
Identifiers: ClinVar variation 1450526 (VCV001450526.6), dbSNP rs765069383, ClinGen allele CA10202999.
Genomic context (GRCh38, chr22:33,604,460, plus strand): 5'-GGAGATCACGGAAGTGCCTCCCCTCCTGCCCATACCTTGAGCTCGTCTGCATTGTAGAAG[T>G]CCACACGCACAGCGGGCACCATCCAGGTCTGGAAGAGCGTGGCCAGGATCTGCTCCGCAA-3'
Protein context (NP_598397.1, residues 187-207): QTWMVPAVRV[Asp197Ala]FYNADELKSE